The following is an entry in ClinVar:

NM_198904.4(GABRG2):c.631+1251G>T

Gene: GABRG2 (gamma-aminobutyric acid type A receptor subunit gamma2; plus strand). Cytogenetic location: 5q34.
Variant type: single nucleotide variant.
Coding change: c.631+1251G>T on transcript NM_198904.4 (MANE Select); 1251 bases into the intron after coding-DNA position 631, G replaced by T.
Molecular consequence: intron variant. On other transcripts: missense variant (2).
Genome position (GRCh38, 1-based): chr5:162,102,568, G>T. VCF-style: chr5-162102568-G-T. GRCh37 (hg19) VCF-style: chr5-161529574-G-T.
Other names: c.646G>T, p.Ala216Ser (NM_001375343.1, NM_198903.2); c.346+1251G>T (NM_001375349.1); c.631+1251G>T (NM_001375344.1, NM_001375340.1, NM_001375341.1 and 2 more transcripts); c.211+1251G>T (NM_001375350.1, NM_001375348.1); c.622+1251G>T (NM_001375339.1); c.565+1251G>T (NM_001375346.1, NM_001375345.1); c.544+1251G>T (NM_001375347.1); short protein forms A216S.
Identifiers: ClinVar variation 1683411 (VCV001683411.1), dbSNP rs1047885227, ClinGen allele CA131112204.
Genomic context (GRCh38, chr5:162,102,568, plus strand): 5'-TTTTTGTTGTTGTTGTTGTTGTTTTGTTTTGTTTTGTTTTGGACAGGGTCTCGTTCTATT[G>T]CCCAGGCTGGAATGTGCAGTGGTGTGATCTCGGCTCACTACAGCCTTCGCTTCTGGGGCT-3'

ClinVar aggregate classification (germline): Uncertain significance (1 of 4 stars; one submission).

Allele frequency attached by ClinVar (database versions not stated): gnomAD 0.00001.
gnomAD v4.1: 2 of 453,998 alleles (0.00044%); highest among the groups gnomAD compares: African/African-American, 0.002%; no homozygotes.

Submission:

Women's Health and Genetics/Laboratory Corporation of America, LabCorp
Classification: Uncertain significance. Last evaluated: 2022-04-22. Review status: criteria provided, single submitter. Criteria: LabCorp Variant Classification Summary - May 2015. Collection method: clinical testing. Allele origin: germline.
Comment: Variant summary: GABRG2 c.646G>T (p.Ala216Ser) results in a conservative amino acid change located in the Neurotransmitter-gated ion-channel ligand-binding domain (IPR006202) of the encoded protein sequence. Five of five in-silico tools predict a benign effect of the variant on protein function. The variant was absent in 128366 control chromosomes. The available data on variant occurrences in the general population are insufficient to allow any conclusion about variant significance. To our knowledge, no occurrence of c.646G>T in individuals affected with Developmental And Epileptic Encephalopathy, 74 and no experimental evidence demonstrating its impact on protein function have been reported. No clinical diagnostic laboratories have submitted clinical-significance assessments for this variant to ClinVar after 2014. Based on the evidence outlined above, the variant was classified as uncertain significance.